The following is an entry in ClinVar:

NM_032043.3(BRIP1):c.2109del (p.Lys703fs)

Gene: BRIP1 (BRCA1 interacting DNA helicase 1; minus strand). Cytogenetic location: 17q23.2.
Variant type: Deletion.
Coding change: c.2109del on transcript NM_032043.3 (MANE Select); coding-DNA position 2109, one base deleted (A; older notation c.2109delA).
Protein change: p.Lys703fs; shifts the reading frame from lysine 703.
Molecular consequence: frameshift variant.
Genome position (GRCh38, 1-based): chr17:61,744,580, T deleted on the plus strand (A on the coding strand, the reverse complement: BRIP1 is on the minus strand); the first of 5 consecutive T bases (chr17:61,744,580-61,744,584); deleting any one gives the same sequence. VCF-style (leftmost placement, unchanged base first): chr17-61744579-AT-A. GRCh37 (hg19) VCF-style: chr17-59821940-AT-A.
Other names: short protein forms K703fs.
Identifiers: ClinVar variation 1075199 (VCV001075199.9), dbSNP rs2144701307, ClinGen allele CA2499224791.

ClinVar aggregate classification (germline): Pathogenic. Review status: criteria provided, multiple submitters, no conflicts (2 of 4 stars). 2 submissions from 2 submitters: Pathogenic (2). Last evaluated 2023-06-06.

Conditions:
Fanconi anemia complementation group J. Also called: BRIP1-Related Fanconi Anemia. Identifiers: Orphanet 84, MedGen C1836860, MONDO:0012187, OMIM 609054.
Familial cancer of breast. Also called: BREAST CANCER, FAMILIAL; hereditary breast carcinoma; Hereditary breast cancer. Identifiers: Orphanet 227535, MedGen C0346153, MONDO:0016419, OMIM 114480. Disease mechanism: loss of function.

Submissions (2):

Myriad Genetics, Inc.
Classification: Pathogenic for Familial cancer of breast. Last evaluated: 2023-06-06. Review status: criteria provided, single submitter. Criteria: Myriad Autosomal Dominant, Autosomal Recessive and X-Linked Classification Criteria (2023). Collection method: clinical testing. Allele origin: unknown.
Comment: This variant is considered pathogenic. This variant creates a frameshift predicted to result in premature protein truncation.

Labcorp Genetics (formerly Invitae), Labcorp
Classification: Pathogenic for Familial cancer of breast; Fanconi anemia complementation group J. Last evaluated: 2020-09-15. Review status: criteria provided, single submitter. Criteria: Invitae Variant Classification Sherloc (09022015). Collection method: clinical testing. Allele origin: germline.
Comment: For these reasons, this variant has been classified as Pathogenic. This sequence change creates a premature translational stop signal (p.Lys703Asnfs*2) in the BRIP1 gene. It is expected to result in an absent or disrupted protein product. This variant is not present in population databases (ExAC no frequency). This variant has not been reported in the literature in individuals with BRIP1-related conditions. Loss-of-function variants in BRIP1 are known to be pathogenic (PMID: 16116423, 17033622, 21964575).

Literature cited by the submitters: PubMed 16116423 (cited by Labcorp Genetics (formerly Invitae), Labcorp); PubMed 17033622 (cited by Labcorp Genetics (formerly Invitae), Labcorp); PubMed 21964575 (cited by Labcorp Genetics (formerly Invitae), Labcorp).